The following is an entry in ClinVar:

ClinVar aggregate classification (germline): Likely pathogenic (1 of 4 stars; one submission).

Conditions:
Medulloblastoma (MDB). Also called: Medulloblastoma, somatic; MEDULLOBLASTOMA PREDISPOSITION SYNDROME. Identifiers: Orphanet 616, MedGen C0025149, MeSH D008527, MONDO:0007959, OMIM 155255, HP:0002885.

gnomAD v4.1: 2 of 1,614,130 alleles (0.00012%); highest among the groups gnomAD compares: Non-Finnish European, 0.00017%; no homozygotes.

Submission:

Institute for Genomic Medicine (IGM) Clinical Laboratory, Nationwide Children's Hospital
Classification: Likely pathogenic for Medulloblastoma. Last evaluated: 2025-03-19. Review status: criteria provided, single submitter. Criteria: ACMG Guidelines, 2015. Collection method: clinical testing. Allele origin: germline.
Comment: This variant is predicted to result in loss of function through nonsense-mediated decay of the encoded transcript or premature truncation of the encoded protein in a gene in which loss of function is a known mechanism of disease (ACMG/AMP: PVS1; PMIDs:29386106, 31609649, 33194646). This variant is absent from or present at an exceedingly low frequency in gnomAD, a large-scale control population database (ACMG/AMP: PM2).

Literature cited by the submitters: PubMed 29386106; PubMed 31609649; PubMed 33194646.

NM_001375883.1(GPR161):c.585G>A (p.Trp195Ter)

Gene: GPR161 (G protein-coupled receptor 161; minus strand). Cytogenetic location: 1q24.2.
Variant type: single nucleotide variant.
Coding change: c.585G>A on transcript NM_001375883.1 (MANE Select); coding-DNA position 585, G replaced by A.
Protein change: p.Trp195Ter; replaces tryptophan 195 with a stop codon.
Molecular consequence: nonsense.
Genome position (GRCh38, 1-based): chr1:168,097,022, C>T on the plus strand (G>A on the coding strand, the complement: GPR161 is on the minus strand). VCF-style: chr1-168097022-C-T. GRCh37 (hg19) VCF-style: chr1-168066260-C-T.
Other names: c.645G>A, p.Trp215Ter (NM_001267609.1); c.189G>A, p.Trp63Ter (NM_001349635.1, NM_001267612.2); c.585G>A, p.Trp195Ter (NM_001267610.2, NM_001375884.1, NM_001375885.1 and 5 more transcripts); c.636G>A, p.Trp212Ter (NM_001267611.1); c.351G>A, p.Trp117Ter (NM_001267613.1); c.243G>A, p.Trp81Ter (NM_001267614.1); short protein forms W117*, W195*, W212*, W215*, W63*, W81*.
Identifiers: ClinVar variation 4759295 (VCV004759295.1).